The following is an entry in ClinVar:

NM_002890.3(RASA1):c.1087A>G (p.Asn363Asp)

Genes: CCNH (cyclin H; minus strand), RASA1 (RAS p21 protein activator 1; plus strand). Cytogenetic location: 5q14.3.
Variant type: single nucleotide variant.
Coding change: c.1087A>G on transcript NM_002890.3 (MANE Select); coding-DNA position 1087, A replaced by G.
Protein change: p.Asn363Asp; replaces asparagine 363 with aspartic acid.
Molecular consequence: missense variant. On other transcripts: intron variant (1).
Genome position (GRCh38, 1-based): chr5:87,346,709, A>G. VCF-style: chr5-87346709-A-G. GRCh37 (hg19) VCF-style: chr5-86642526-A-G.
Other names: c.556A>G, p.Asn186Asp (NM_022650.3); c.934-33914T>C (NM_001364075.2); short protein forms N363D, N186D.
Identifiers: ClinVar variation 3681085 (VCV003681085.2).
Genomic context (GRCh38, chr5:87,346,709, plus strand): 5'-ATCTAATTTATTCTCTTTTTAAGATGGTTCCATGGGAAGATTTCCAAACAGGAAGCTTAT[A>G]ATTTACTAATGACAGGTACTTACATATTTACTTGCTTTTCTAATGTCTATTTAAAGAGAA-3'
Protein context (NP_002881.1, residues 353-373): HGKISKQEAY[Asn363Asp]LLMTVGQVCS

ClinVar aggregate classification (germline): Uncertain significance (1 of 4 stars; one submission).

Conditions:
Capillary malformation-arteriovenous malformation syndrome. Also called: Capillary malformation-arteriovenous malformation. Identifiers: Orphanet 137667, MedGen C1842180, MONDO:0012016.

gnomAD v4.1: 7 of 1,551,666 alleles (0.00045%); highest among the groups gnomAD compares: South Asian, 0.0078%; no homozygotes.

Submission:

Labcorp Genetics (formerly Invitae), Labcorp
Classification: Uncertain significance for Capillary malformation-arteriovenous malformation syndrome. Last evaluated: 2024-12-25. Review status: criteria provided, single submitter. Criteria: Invitae Variant Classification Sherloc (09022015). Collection method: clinical testing. Allele origin: germline.
Comment: This sequence change replaces asparagine, which is neutral and polar, with aspartic acid, which is acidic and polar, at codon 363 of the RASA1 protein (p.Asn363Asp). This variant is not present in population databases (gnomAD no frequency). This variant has not been reported in the literature in individuals affected with RASA1-related conditions. An algorithm developed to predict the effect of missense changes on protein structure and function (PolyPhen-2) suggests that this variant is likely to be tolerated. In summary, the available evidence is currently insufficient to determine the role of this variant in disease. Therefore, it has been classified as a Variant of Uncertain Significance.